The following is an entry in ClinVar:

ClinVar aggregate classification (germline): Uncertain significance (1 of 4 stars; one submission).

Conditions:
Inborn genetic diseases. Identifiers: MedGen C0950123, MeSH D030342.

gnomAD v4.1: 1 of 1,614,186 alleles (0.000062%); no homozygotes.

Submission:

Ambry Genetics
Classification: Uncertain significance for Inborn genetic diseases. Last evaluated: 2026-02-23. Review status: criteria provided, single submitter. Criteria: Ambry Variant Classification Scheme 2023. Collection method: clinical testing. Allele origin: germline.
Comment: The p.K1247Q variant (also known as c.3739A>C), located in coding exon 37 of the FANCA gene, results from an A to C substitution at nucleotide position 3739. The lysine at codon 1247 is replaced by glutamine, an amino acid with similar properties. This amino acid position is conserved. In addition, this alteration is predicted to be tolerated by in silico analysis. Based on the available evidence, the clinical significance of this variant remains unclear.

NM_000135.4(FANCA):c.3739A>C (p.Lys1247Gln)

Gene: FANCA (FA complementation group A; minus strand). Cytogenetic location: 16q24.3.
Variant type: single nucleotide variant.
Coding change: c.3739A>C on transcript NM_000135.4 (MANE Select); coding-DNA position 3739, A replaced by C.
Protein change: p.Lys1247Gln; replaces lysine 1247 with glutamine.
Molecular consequence: missense variant.
Genome position (GRCh38, 1-based): chr16:89,742,826, T>G on the plus strand (A>C on the coding strand, the complement: FANCA is on the minus strand). VCF-style: chr16-89742826-T-G. GRCh37 (hg19) VCF-style: chr16-89809234-T-G.
Other names: c.3739A>C, p.Lys1247Gln (NM_001286167.3); short protein forms K1247Q.
Identifiers: ClinVar variation 4826901 (VCV004826901.1).